The following is an entry in ClinVar:

NM_152564.5(VPS13B):c.5221-9_5221-5del

Gene: VPS13B (vacuolar protein sorting 13 homolog B; plus strand). Cytogenetic location: 8q22.2.
Variant type: Deletion.
Coding change: c.5221-9_5221-5del on transcript NM_152564.5 (MANE Select); 9 bases into the intron before coding-DNA position 5221 through 5 bases into the intron before coding-DNA position 5221, 5 bases deleted (TTCTT; older notation c.5221-9_5221-5delTTCTT).
Molecular consequence: intron variant.
Genome position (GRCh38, 1-based): chr8:99,641,802-99,641,806, TTCTT deleted; deleting any 5 consecutive bases within chr8:99,641,800-99,641,806 gives the same sequence; the c. name uses the placement nearest the transcript's 3' end. VCF-style (leftmost placement, unchanged base first): chr8-99641799-TTTTTC-T. GRCh37 (hg19) VCF-style: chr8-100654027-TTTTTC-T.
Other names: c.5296-9_5296-5del (NM_017890.5).
Identifiers: ClinVar variation 4985028 (VCV004985028.1).
Genomic context (GRCh38, chr8:99,641,799, plus strand): 5'-TTTATATAACATTGTTTATATGACACTTGGCATGTAACTAGTTTGAAATATTTTATTACT[TTTTTC>T]TTACAGATCTCTAAACAAGAACAGAAAAAAGTGGATATATTTGATGGAGGCATGGCTGAA-3'

ClinVar aggregate classification (germline): Likely benign (1 of 4 stars; one submission).

Conditions:
VPS13B-related disorder. Also called: VPS13B-related condition.

Submission:

PreventionGenetics, part of Exact Sciences
Classification: Likely benign for VPS13B-related condition. Last evaluated: 2025-05-20. Review status: criteria provided, single submitter. Criteria: ACMG Guidelines, 2015. Collection method: clinical testing. Allele origin: germline.
Comment: This variant is classified as likely benign based on ACMG/AMP sequence variant interpretation guidelines (Richards et al. 2015 PMID: 25741868, with internal and published modifications).